The following is an entry in ClinVar:

NM_001365951.3(KIF1B):c.3634C>G (p.Pro1212Ala)

Gene: KIF1B (kinesin family member 1B; plus strand). Cytogenetic location: 1p36.22.
Variant type: single nucleotide variant.
Coding change: c.3634C>G on transcript NM_001365951.3 (MANE Select); coding-DNA position 3634, C replaced by G.
Protein change: p.Pro1212Ala; replaces proline 1212 with alanine.
Molecular consequence: missense variant.
Genome position (GRCh38, 1-based): chr1:10,343,233, C>G. VCF-style: chr1-10343233-C-G. GRCh37 (hg19) VCF-style: chr1-10403291-C-G.
Other names: c.3634C>G, p.Pro1212Ala (NM_001365952.1); c.3496C>G, p.Pro1166Ala (NM_015074.3); short protein forms P1166A, P1212A.
Identifiers: ClinVar variation 5023222 (VCV005023222.1).
Genomic context (GRCh38, chr1:10,343,233, plus strand): 5'-AGAATTTCTAAAATAAATAACTCTTTATAGTCTTGATCTTTGTCTTCCTTTCTTTGCAGT[C>G]CGCCTCAGCCGTGCCGCCGATTCTTCCCTCCACCCATGCCACTGTCCAAGCCAGGTGAGC-3'
Protein context (NP_001352880.1, residues 1202-1222): LHLQGQELNS[Pro1212Ala]PQPCRRFFPP

ClinVar aggregate classification (germline): Uncertain significance (1 of 4 stars; one submission).

Submission:

Ambry Genetics
Classification: Uncertain significance. Last evaluated: 2026-08-23. Review status: criteria provided, single submitter. Criteria: Ambry Variant Classification Scheme 2023. Collection method: clinical testing. Allele origin: germline.
Comment: The p.P1166A variant (also known as c.3496C>G), located in coding exon 31 of the KIF1B gene, results from a C to G substitution at nucleotide position 3496. The proline at codon 1166 is replaced by alanine, an amino acid with highly similar properties. This amino acid position is conserved. In addition, the in silico prediction for this alteration is inconclusive. Based on the available evidence, the clinical significance of this variant remains unclear.